The following is an entry in ClinVar:

NM_004341.5(CAD):c.4519C>T (p.Arg1507Trp)

Gene: CAD (carbamoyl-phosphate synthetase 2, aspartate transcarbamylase, and dihydroorotase; plus strand). Cytogenetic location: 2p23.3.
Variant type: single nucleotide variant.
Coding change: c.4519C>T on transcript NM_004341.5 (MANE Select); coding-DNA position 4519, C replaced by T.
Protein change: p.Arg1507Trp; replaces arginine 1507 with tryptophan.
Molecular consequence: missense variant.
Genome position (GRCh38, 1-based): chr2:27,237,501, C>T. VCF-style: chr2-27237501-C-T. GRCh37 (hg19) VCF-style: chr2-27460369-C-T.
Other names: c.4330C>T, p.Arg1444Trp (NM_001306079.2); c.4519C>T (NM_004341.3); short protein forms R1444W, R1507W.
Identifiers: ClinVar variation 2064612 (VCV002064612.2), dbSNP rs149558703, ClinGen allele CA1573545.

ClinVar aggregate classification (germline): Uncertain significance. Review status: criteria provided, multiple submitters, no conflicts (2 of 4 stars). 2 submissions from 2 submitters: Uncertain significance (2). Last evaluated 2025-05-26.

Conditions:
Inborn genetic diseases. Identifiers: MedGen C0950123, MeSH D030342.

Allele frequency attached by ClinVar (database versions not stated): TOPMed 0.00004; gnomAD exomes 0.00001; ExAC 0.00001; gnomAD 0.00002; ESP Exome Variant Server 0.00008.

Submissions (2):

Ambry Genetics
Classification: Uncertain significance for Inborn genetic diseases. Last evaluated: 2025-05-26. Review status: criteria provided, single submitter. Criteria: Ambry Variant Classification Scheme 2023. Collection method: clinical testing. Allele origin: germline.

Labcorp Genetics (formerly Invitae), Labcorp
Classification: Uncertain significance. Last evaluated: 2021-12-23. Review status: criteria provided, single submitter. Criteria: Invitae Variant Classification Sherloc (09022015). Collection method: clinical testing. Allele origin: germline.
Comment: This sequence change replaces arginine, which is basic and polar, with tryptophan, which is neutral and slightly polar, at codon 1507 of the CAD protein (p.Arg1507Trp). This variant is present in population databases (rs149558703, gnomAD 0.002%). This variant has not been reported in the literature in individuals affected with CAD-related conditions. Algorithms developed to predict the effect of missense changes on protein structure and function are either unavailable or do not agree on the potential impact of this missense change (SIFT: "Deleterious"; PolyPhen-2: "Probably Damaging"; Align-GVGD: "Class C0"). In summary, the available evidence is currently insufficient to determine the role of this variant in disease. Therefore, it has been classified as a Variant of Uncertain Significance.